The following is an entry in ClinVar:

NM_018451.5(CPAP):c.257A>G (p.Tyr86Cys)

Gene: CPAP (centrosome assembly and centriole elongation protein; minus strand). Cytogenetic location: 13q12.13.
Variant type: single nucleotide variant.
Coding change: c.257A>G on transcript NM_018451.5 (MANE Select); coding-DNA position 257, A replaced by G.
Protein change: p.Tyr86Cys; replaces tyrosine 86 with cysteine.
Molecular consequence: missense variant. On other transcripts: non-coding transcript variant (2).
Genome position (GRCh38, 1-based): chr13:24,912,769, T>C on the plus strand (A>G on the coding strand, the complement: CPAP is on the minus strand). VCF-style: chr13-24912769-T-C. GRCh37 (hg19) VCF-style: chr13-25486907-T-C.
Other names: short protein forms Y86C.
Identifiers: ClinVar variation 2171264 (VCV002171264.1), dbSNP rs749211181, ClinGen allele CA6920050.

ClinVar aggregate classification (germline): Uncertain significance (1 of 4 stars; one submission).

Allele frequency attached by ClinVar (database versions not stated): ExAC 0.00007.
gnomAD v4.1: 37 of 1,614,116 alleles (0.0023%); highest among the groups gnomAD compares: Admixed American, 0.058%; no homozygotes.

Submission:

Labcorp Genetics (formerly Invitae), Labcorp
Classification: Uncertain significance. Last evaluated: 2022-07-30. Review status: criteria provided, single submitter. Criteria: Invitae Variant Classification Sherloc (09022015). Collection method: clinical testing. Allele origin: germline.
Comment: This sequence change replaces tyrosine, which is neutral and polar, with cysteine, which is neutral and slightly polar, at codon 86 of the CENPJ protein (p.Tyr86Cys). This variant is present in population databases (rs749211181, gnomAD 0.09%). This variant has not been reported in the literature in individuals affected with CENPJ-related conditions. Algorithms developed to predict the effect of missense changes on protein structure and function are either unavailable or do not agree on the potential impact of this missense change (SIFT: "Deleterious"; PolyPhen-2: "Benign"; Align-GVGD: "Class C0"). In summary, the available evidence is currently insufficient to determine the role of this variant in disease. Therefore, it has been classified as a Variant of Uncertain Significance.